The following is an entry in ClinVar:

NM_007325.5(GRIA3):c.125G>A (p.Arg42Lys)

Gene: GRIA3 (glutamate ionotropic receptor AMPA type subunit 3; plus strand). Cytogenetic location: Xq25.
Variant type: single nucleotide variant.
Coding change: c.125G>A on transcript NM_007325.5 (MANE Select); coding-DNA position 125, G replaced by A.
Protein change: p.Arg42Lys; replaces arginine 42 with lysine.
Molecular consequence: missense variant.
Genome position (GRCh38, 1-based): chrX:123,185,847, G>A. VCF-style: chrX-123185847-G-A. GRCh37 (hg19) VCF-style: chrX-122319699-G-A.
Other names: c.125G>A, p.Arg42Lys (NM_000828.5, NM_001256743.2); short protein forms R42K.
Identifiers: ClinVar variation 2092100 (VCV002092100.4), dbSNP rs2520429257, ClinGen allele CA414255090.
Genomic context (GRCh38, chrX:123,185,847, plus strand): 5'-AGTGTGGGGGAACACAAGCCAAATCTCCGTTCCCTTTGCTTATAGGTGGACTTTTCATGA[G>A]AAACACAGTGCAGGAGCACAGCGCTTTCCGCTTTGCCGTGCAGTTATACAACACCAACCA-3'
Protein context (NP_015564.5, residues 32-52): NTISIGGLFM[Arg42Lys]NTVQEHSAFR

ClinVar aggregate classification (germline): Uncertain significance (1 of 4 stars; one submission).

Submission:

Labcorp Genetics (formerly Invitae), Labcorp
Classification: Uncertain significance. Last evaluated: 2022-02-02. Review status: criteria provided, single submitter. Criteria: Invitae Variant Classification Sherloc (09022015). Collection method: clinical testing. Allele origin: germline.
Comment: In summary, the available evidence is currently insufficient to determine the role of this variant in disease. Therefore, it has been classified as a Variant of Uncertain Significance. Algorithms developed to predict the effect of missense changes on protein structure and function are either unavailable or do not agree on the potential impact of this missense change (SIFT: "Tolerated"; PolyPhen-2: "Probably Damaging"; Align-GVGD: "Class C0"). This variant has not been reported in the literature in individuals affected with GRIA3-related conditions. This variant is not present in population databases (gnomAD no frequency). This sequence change replaces arginine, which is basic and polar, with lysine, which is basic and polar, at codon 42 of the GRIA3 protein (p.Arg42Lys).